The following is an entry in ClinVar:

ClinVar aggregate classification (germline): Uncertain significance (1 of 4 stars; one submission).

Conditions:
Congenital myotonia, autosomal dominant form (THD). Also called: THOMSEN DISEASE; Myotonia congenita autosomal dominant. Identifiers: Orphanet 614, MedGen C2936781, MONDO:0008055, OMIM 160800.
Congenital myotonia, autosomal recessive form. Also called: BECKER DISEASE; Becker Generalized Myotonia; myotonia congenita, autosomal recessive. Identifiers: Orphanet 614, MedGen C0751360, MONDO:0009715, OMIM 255700.

Submission:

Labcorp Genetics (formerly Invitae), Labcorp
Classification: Uncertain significance for Congenital myotonia, autosomal recessive form; Congenital myotonia, autosomal dominant form. Last evaluated: 2022-08-09. Review status: criteria provided, single submitter. Criteria: Invitae Variant Classification Sherloc (09022015). Collection method: clinical testing. Allele origin: germline.
Comment: Advanced modeling of protein sequence and biophysical properties (such as structural, functional, and spatial information, amino acid conservation, physicochemical variation, residue mobility, and thermodynamic stability) performed at Invitae indicates that this missense variant is expected to disrupt CLCN1 protein function. In summary, the available evidence is currently insufficient to determine the role of this variant in disease. Therefore, it has been classified as a Variant of Uncertain Significance. ClinVar contains an entry for this variant (Variation ID: 1011007). This sequence change replaces glycine, which is neutral and non-polar, with arginine, which is basic and polar, at codon 115 of the CLCN1 protein (p.Gly115Arg). This variant is not present in population databases (gnomAD no frequency). This variant has not been reported in the literature in individuals affected with CLCN1-related conditions.

NM_000083.3(CLCN1):c.343G>A (p.Gly115Arg)

Gene: CLCN1 (chloride voltage-gated channel 1; plus strand). Cytogenetic location: 7q34.
Variant type: single nucleotide variant.
Coding change: c.343G>A on transcript NM_000083.3 (MANE Select); coding-DNA position 343, G replaced by A.
Protein change: p.Gly115Arg; replaces glycine 115 with arginine.
Molecular consequence: missense variant. On other transcripts: non-coding transcript variant (1).
Genome position (GRCh38, 1-based): chr7:143,320,705, G>A. VCF-style: chr7-143320705-G-A. GRCh37 (hg19) VCF-style: chr7-143017798-G-A.
Other names: short protein forms G115R.
Identifiers: ClinVar variation 1011007 (VCV001011007.8), dbSNP rs1802406028, ClinGen allele CA369682038.